The following is an entry in ClinVar:

NM_000038.6(APC):c.5824G>A (p.Asp1942Asn)

Gene: APC (APC regulator of Wnt signaling pathway; plus strand). Cytogenetic location: 5q22.2.
Variant type: single nucleotide variant.
Coding change: c.5824G>A on transcript NM_000038.6 (MANE Select); coding-DNA position 5824, G replaced by A.
Protein change: p.Asp1942Asn; replaces aspartic acid 1942 with asparagine.
Molecular consequence: missense variant.
Genome position (GRCh38, 1-based): chr5:112,841,418, G>A. VCF-style: chr5-112841418-G-A. GRCh37 (hg19) VCF-style: chr5-112177115-G-A.
Other names: c.5824G>A, p.Asp1942Asn (NM_001127510.3, NM_001354895.2); c.5770G>A, p.Asp1924Asn (NM_001127511.3); c.5878G>A, p.Asp1960Asn (NM_001354896.2); c.5854G>A, p.Asp1952Asn (NM_001354897.2); c.5749G>A, p.Asp1917Asn (NM_001354898.2); c.5740G>A, p.Asp1914Asn (NM_001354899.2); c.5701G>A, p.Asp1901Asn (NM_001354900.2); c.5647G>A, p.Asp1883Asn (NM_001354901.2); and 5 more; short protein forms D1782N, D1851N, D1883N, D1841N, D1914N, D1659N, D1816N, D1917N.
Identifiers: ClinVar variation 1482628 (VCV001482628.6), dbSNP rs1370108946, ClinGen allele CA16034070.

ClinVar aggregate classification (germline): Uncertain significance (1 of 4 stars; one submission).

Conditions:
Familial adenomatous polyposis 1 (FAP1). Also called: FAMILIAL ADENOMATOUS POLYPOSIS 1, ATTENUATED; POLYPOSIS, ADENOMATOUS INTESTINAL. Identifiers: MedGen C2713442, MONDO:0021056, OMIM 175100. Disease mechanism: loss of function.

Submission:

Labcorp Genetics (formerly Invitae), Labcorp
Classification: Uncertain significance for Familial adenomatous polyposis 1. Last evaluated: 2026-01-31. Review status: criteria provided, single submitter. Criteria: Invitae Variant Classification Sherloc (09022015). Collection method: clinical testing. Allele origin: germline.
Comment: This sequence change replaces aspartic acid, which is acidic and polar, with asparagine, which is neutral and polar, at codon 1942 of the APC protein (p.Asp1942Asn). This variant is not present in population databases (gnomAD no frequency). This variant has not been reported in the literature in individuals affected with APC-related conditions. ClinVar contains an entry for this variant (Variation ID: 1482628). Invitae Evidence Modeling of protein sequence and biophysical properties (such as structural, functional, and spatial information, amino acid conservation, physicochemical variation, residue mobility, and thermodynamic stability) indicates that this missense variant is not expected to disrupt APC protein function with a negative predictive value of 95%. In summary, the available evidence is currently insufficient to determine the role of this variant in disease. Therefore, it has been classified as a Variant of Uncertain Significance.